The following is an entry in ClinVar:

ClinVar aggregate classification (germline): Uncertain significance. Review status: criteria provided, multiple submitters, no conflicts (2 of 4 stars). 5 submissions from 5 submitters: Uncertain significance (5). Last evaluated 2026-04-13.

Conditions:
ZFYVE26-related disorder. Also called: ZFYVE26-related condition.
Inborn genetic diseases. Identifiers: MedGen C0950123, MeSH D030342.
Spastic paraplegia. Identifiers: MedGen C0037772, HP:0001258.
Retinal dystrophy. Also called: Inherited retinal dystrophy. Identifiers: Orphanet 71862, MedGen C0854723, MeSH D058499, MONDO:0019118, HP:0000556.

Allele frequency attached by ClinVar (database versions not stated): ExAC 0.00002; gnomAD exomes 0.00002 and 0.00004; TOPMed 0.00002; gnomAD 0.00003; ESP Exome Variant Server 0.00008.
gnomAD v4.1: 63 of 1,614,118 alleles (0.0039%); highest among the groups gnomAD compares: Middle Eastern, 0.016%; no homozygotes.

Submissions (5):

PreventionGenetics, part of Exact Sciences
Classification: Uncertain significance for ZFYVE26-related condition. Last evaluated: 2026-04-13. Review status: criteria provided, single submitter. Criteria: ACMG Guidelines, 2015. Collection method: clinical testing. Allele origin: germline.
Comment: The ZFYVE26 c.7231C>T variant is predicted to result in the amino acid substitution p.Arg2411Cys. To our knowledge, this variant has not been reported in the literature. This variant is reported in 0.0050% of alleles in individuals of East Asian descent in gnomAD. At this time, the clinical significance of this variant is uncertain due to the absence of conclusive functional and genetic evidence.

Ambry Genetics
Classification: Uncertain significance for Inborn genetic diseases. Last evaluated: 2025-02-22. Review status: criteria provided, single submitter. Criteria: Ambry Variant Classification Scheme 2023. Collection method: clinical testing. Allele origin: germline.

GeneDx
Classification: Uncertain significance. Last evaluated: 2022-12-15. Review status: criteria provided, single submitter. Criteria: GeneDx Variant Classification Process June 2021. Collection method: clinical testing. Allele origin: germline. Affected: yes.
Comment: Not observed at significant frequency in large population cohorts (gnomAD); In silico analysis supports that this missense variant has a deleterious effect on protein structure/function; Has not been previously published as pathogenic or benign to our knowledge

Labcorp Genetics (formerly Invitae), Labcorp
Classification: Uncertain significance for Spastic paraplegia. Last evaluated: 2022-07-12. Review status: criteria provided, single submitter. Criteria: Invitae Variant Classification Sherloc (09022015). Collection method: clinical testing. Allele origin: germline.
Comment: This sequence change replaces arginine, which is basic and polar, with cysteine, which is neutral and slightly polar, at codon 2411 of the ZFYVE26 protein (p.Arg2411Cys). This variant is present in population databases (rs375202089, gnomAD 0.005%). This variant has not been reported in the literature in individuals affected with ZFYVE26-related conditions. ClinVar contains an entry for this variant (Variation ID: 406177). Algorithms developed to predict the effect of missense changes on protein structure and function are either unavailable or do not agree on the potential impact of this missense change (SIFT: "Deleterious"; PolyPhen-2: "Possibly Damaging"; Align-GVGD: "Class C0"). In summary, the available evidence is currently insufficient to determine the role of this variant in disease. Therefore, it has been classified as a Variant of Uncertain Significance.

Centre for Mendelian Genomics, University Medical Centre Ljubljana
Classification: Uncertain significance for Retinal dystrophy. Last evaluated: 2017-01-01. Review status: criteria provided, single submitter. Criteria: ACMG Guidelines, 2015. Collection method: clinical testing. Allele origin: unknown. Affected: yes.

NM_015346.4(ZFYVE26):c.7231C>T (p.Arg2411Cys)

Gene: ZFYVE26 (zinc finger FYVE-type containing 26; minus strand). Cytogenetic location: 14q24.1.
Variant type: single nucleotide variant.
Coding change: c.7231C>T on transcript NM_015346.4 (MANE Select); coding-DNA position 7231, C replaced by T.
Protein change: p.Arg2411Cys; replaces arginine 2411 with cysteine.
Molecular consequence: missense variant.
Genome position (GRCh38, 1-based): chr14:67,752,484, G>A on the plus strand (C>T on the coding strand, the complement: ZFYVE26 is on the minus strand). VCF-style: chr14-67752484-G-A. GRCh37 (hg19) VCF-style: chr14-68219201-G-A.
Other names: short protein forms R2411C.
Identifiers: ClinVar variation 406177 (VCV000406177.8), dbSNP rs375202089, ClinGen allele CA7239015.
Genomic context (GRCh38, chr14:67,752,484, plus strand): 5'-CACTGACACATTTGAGCAGTTGCTGGATCTCACTGTACTTCTCTTTCTCCACCAACTGGC[G>A]GGCAGCTCTGCAGTAGGTCATGGCAGCATCCAGCTGGAAGTCCTAGAACAGAACACAACA-3'
Protein context (NP_056161.2, residues 2401-2421): DAAMTYCRAA[Arg2411Cys]QLVEKEKYSE